The following is an entry in ClinVar:

ClinVar aggregate classification (germline): Uncertain significance (1 of 4 stars; one submission).

Submission:

Labcorp Genetics (formerly Invitae), Labcorp
Classification: Uncertain significance. Last evaluated: 2022-05-31. Review status: criteria provided, single submitter. Criteria: Invitae Variant Classification Sherloc (09022015). Collection method: clinical testing. Allele origin: germline.
Comment: This sequence change replaces tyrosine, which is neutral and polar, with histidine, which is basic and polar, at codon 115 of the HPCA protein (p.Tyr115His). This variant is not present in population databases (gnomAD no frequency). This variant has not been reported in the literature in individuals affected with HPCA-related conditions. Algorithms developed to predict the effect of missense changes on protein structure and function are either unavailable or do not agree on the potential impact of this missense change (SIFT: "Deleterious"; PolyPhen-2: "Benign"; Align-GVGD: "Class C65"). In summary, the available evidence is currently insufficient to determine the role of this variant in disease. Therefore, it has been classified as a Variant of Uncertain Significance.

NM_002143.3(HPCA):c.343T>C (p.Tyr115His)

Gene: HPCA (hippocalcin; plus strand). Cytogenetic location: 1p35.1.
Variant type: single nucleotide variant.
Coding change: c.343T>C on transcript NM_002143.3 (MANE Select); coding-DNA position 343, T replaced by C.
Protein change: p.Tyr115His; replaces tyrosine 115 with histidine.
Molecular consequence: missense variant.
Genome position (GRCh38, 1-based): chr1:32,889,241, T>C. VCF-style: chr1-32889241-T-C. GRCh37 (hg19) VCF-style: chr1-33354842-T-C.
Other names: short protein forms Y115H.
Identifiers: ClinVar variation 2001131 (VCV002001131.4), dbSNP rs2522531242, ClinGen allele CA339681015.